The following is an entry in ClinVar:

ClinVar aggregate classification (germline): Uncertain significance. Review status: criteria provided, multiple submitters, no conflicts (2 of 4 stars). 2 submissions from 2 submitters: Uncertain significance (2). Last evaluated 2025-09-12.

Conditions:
Inborn genetic diseases. Identifiers: MedGen C0950123, MeSH D030342.
Deafness-lymphedema-leukemia syndrome. Also called: Emberger syndrome; Lymphedema, primary, with myelodysplasia. Identifiers: Orphanet 3226, MedGen C3279664, MONDO:0013540, OMIM 614038.
Monocytopenia with susceptibility to infections. Also called: IMMUNODEFICIENCY 21; GATA2 DEFICIENCY; MONOCYTOPENIA AND MYCOBACTERIAL INFECTION SYNDROME; MONOCYTOPENIA WITH SUSCEPTIBILITY TO MYCOBACTERIAL, FUNGAL, AND PAPILLOMAVIRUS INFECTIONS AND MYELODYSPLASIA; COMBINED IMMUNODEFICIENCY WITH SUSCEPTIBILITY TO MYCOBACTERIAL, VIRAL, AND FUNGAL INFECTIONS; Dendritic cell, monocyte, B lymphocyte, and natural killer lymphocyte deficiency. Identifiers: Orphanet 228423, MedGen C3280030, MONDO:0013607, OMIM 614172.

Allele frequency attached by ClinVar (database versions not stated): gnomAD exomes below 0.00001; TOPMed below 0.00001.

Submissions (2):

Ambry Genetics
Classification: Uncertain significance for Inborn genetic diseases. Last evaluated: 2025-09-12. Review status: criteria provided, single submitter. Criteria: Ambry Variant Classification Scheme 2023. Collection method: clinical testing. Allele origin: germline.
Comment: The p.P27L variant (also known as c.80C>T), located in coding exon 1 of the GATA2 gene, results from a C to T substitution at nucleotide position 80. The proline at codon 27 is replaced by leucine, an amino acid with similar properties. This amino acid position is conserved. In addition, the in silico prediction for this alteration is inconclusive. Based on the available evidence, the clinical significance of this variant remains unclear.

Labcorp Genetics (formerly Invitae), Labcorp
Classification: Uncertain significance for Monocytopenia with susceptibility to infections; Deafness-lymphedema-leukemia syndrome. Last evaluated: 2023-06-24. Review status: criteria provided, single submitter. Criteria: Invitae Variant Classification Sherloc (09022015). Collection method: clinical testing. Allele origin: germline.
Comment: In summary, the available evidence is currently insufficient to determine the role of this variant in disease. Therefore, it has been classified as a Variant of Uncertain Significance. Advanced modeling of protein sequence and biophysical properties (such as structural, functional, and spatial information, amino acid conservation, physicochemical variation, residue mobility, and thermodynamic stability) performed at Invitae indicates that this missense variant is not expected to disrupt GATA2 protein function. This variant has not been reported in the literature in individuals affected with GATA2-related conditions. This variant is not present in population databases (gnomAD no frequency). This sequence change replaces proline, which is neutral and non-polar, with leucine, which is neutral and non-polar, at codon 27 of the GATA2 protein (p.Pro27Leu).

NM_032638.5(GATA2):c.80C>T (p.Pro27Leu)

Gene: GATA2 (GATA binding protein 2; minus strand). Cytogenetic location: 3q21.3.
Variant type: single nucleotide variant.
Coding change: c.80C>T on transcript NM_032638.5 (MANE Select); coding-DNA position 80, C replaced by T.
Protein change: p.Pro27Leu; replaces proline 27 with leucine.
Molecular consequence: missense variant.
Genome position (GRCh38, 1-based): chr3:128,486,952, G>A on the plus strand (C>T on the coding strand, the complement: GATA2 is on the minus strand). VCF-style: chr3-128486952-G-A. GRCh37 (hg19) VCF-style: chr3-128205795-G-A.
Other names: c.80C>T, p.Pro27Leu (NM_001145661.2, NM_001145662.1); short protein forms P27L.
Identifiers: ClinVar variation 2949249 (VCV002949249.4), dbSNP rs2068709954, ClinGen allele CA354409001.